The following is an entry in ClinVar:

ClinVar aggregate classification (germline): Uncertain significance. Review status: criteria provided, multiple submitters, no conflicts (2 of 4 stars). 2 submissions from 2 submitters: Uncertain significance (2). Last evaluated 2026-07-01.

Conditions:
Juvenile myelomonocytic leukemia (JMML). Also called: LEUKEMIA, JUVENILE MYELOMONOCYTIC, SOMATIC. Identifiers: Orphanet 86834, MedGen C0349639, MONDO:0011908, OMIM 607785, HP:0012209.
Cardiovascular phenotype. Identifiers: MedGen CN230736.
Hereditary cancer-predisposing syndrome. Also called: Neoplastic Syndromes, Hereditary; Tumor predisposition; Hereditary Cancer Syndrome; Hereditary neoplastic syndrome. Identifiers: Orphanet 140162, MedGen C0027672, MeSH D009386, MONDO:0015356.

Submissions (2):

Ambry Genetics
Classification: Uncertain significance for Cardiovascular phenotype; Hereditary cancer-predisposing syndrome. Last evaluated: 2026-07-01. Review status: criteria provided, single submitter. Criteria: Ambry Variant Classification Scheme 2023. Collection method: clinical testing. Allele origin: germline.
Comment: The c.4494G>T variant (also known as p.G1498G), located in coding exon 33 of the NF1 gene, results from a G to T substitution at nucleotide position 4494. This nucleotide substitution does not change the at codon 1498. However, this change occurs in the base pair of coding exon 33, which makes it likely to have some effect on normal mRNA splicing. In silico splice site analysis predicts that this alteration may result in the creation or strengthening of a novel splice donor site; however, direct evidence is insufficient at this time (Ambry internal data). This nucleotide position is well conserved in available vertebrate species. Based on the available evidence, the clinical significance of this variant remains unclear.

Baylor Genetics
Classification: Uncertain significance for Juvenile myelomonocytic leukemia. Last evaluated: 2024-02-21. Review status: criteria provided, single submitter. Criteria: ACMG Guidelines, 2015. Collection method: clinical testing. Allele origin: unknown.

NM_001042492.3(NF1):c.4557G>T (p.Gly1519=)

Gene: NF1 (neurofibromin 1; plus strand). Cytogenetic location: 17q11.2.
Variant type: single nucleotide variant.
Coding change: c.4557G>T on transcript NM_001042492.3 (MANE Select); coding-DNA position 4557, G replaced by T.
Protein change: p.Gly1519=; no amino-acid change (glycine 1519 retained).
Molecular consequence: synonymous variant.
Genome position (GRCh38, 1-based): chr17:31,260,495, G>T. VCF-style: chr17-31260495-G-T. GRCh37 (hg19) VCF-style: chr17-29587513-G-T.
Other names: c.4494G>T, p.Gly1498= (NM_000267.4).
Identifiers: ClinVar variation 3239921 (VCV003239921.2), dbSNP rs2151464818.